The following is an entry in ClinVar:

NM_000038.6(APC):c.2685A>C (p.Ser895=)

Gene: APC (APC regulator of Wnt signaling pathway; plus strand). Cytogenetic location: 5q22.2.
Variant type: single nucleotide variant.
Coding change: c.2685A>C on transcript NM_000038.6 (MANE Select); coding-DNA position 2685, A replaced by C.
Protein change: p.Ser895=; no amino-acid change (serine 895 retained).
Molecular consequence: synonymous variant.
Genome position (GRCh38, 1-based): chr5:112,838,279, A>C. VCF-style: chr5-112838279-A-C. GRCh37 (hg19) VCF-style: chr5-112173976-A-C.
Other names: c.2685A>C, p.Ser895= (NM_001127510.3, NM_001354895.2); c.2631A>C, p.Ser877= (NM_001127511.3); c.2739A>C, p.Ser913= (NM_001354896.2); c.2715A>C, p.Ser905= (NM_001354897.2); c.2610A>C, p.Ser870= (NM_001354898.2); c.2601A>C, p.Ser867= (NM_001354899.2); c.2562A>C, p.Ser854= (NM_001354900.2); c.2508A>C, p.Ser836= (NM_001354901.2); and 5 more.
Identifiers: ClinVar variation 490250 (VCV000490250.17), dbSNP rs1554084377, ClinGen allele CA445963003.

ClinVar aggregate classification (germline): Benign/Likely benign. Review status: criteria provided, multiple submitters, no conflicts (2 of 4 stars). 4 submissions from 4 submitters: Benign (1); Likely benign (3). Last evaluated 2024-04-03.

Conditions:
Familial adenomatous polyposis 1 (FAP1). Also called: POLYPOSIS, ADENOMATOUS INTESTINAL; FAMILIAL ADENOMATOUS POLYPOSIS 1, ATTENUATED. Identifiers: MedGen C2713442, MONDO:0021056, OMIM 175100. Disease mechanism: loss of function.
Hereditary cancer-predisposing syndrome. Also called: Hereditary Cancer Syndrome; Neoplastic Syndromes, Hereditary; Tumor predisposition; Hereditary neoplastic syndrome. Identifiers: Orphanet 140162, MedGen C0027672, MeSH D009386, MONDO:0015356.

Submissions (4):

Labcorp Genetics (formerly Invitae), Labcorp
Classification: Likely benign for Familial adenomatous polyposis 1. Last evaluated: 2024-04-03. Review status: criteria provided, single submitter. Criteria: Invitae Variant Classification Sherloc (09022015). Collection method: clinical testing. Allele origin: germline.

Myriad Genetics, Inc.
Classification: Benign for Familial adenomatous polyposis 1. Last evaluated: 2024-03-15. Review status: criteria provided, single submitter. Criteria: Myriad Autosomal Dominant, Autosomal Recessive and X-Linked Classification Criteria (2023). Collection method: clinical testing. Allele origin: unknown.
Comment: This variant is considered benign. This variant is a silent/synonymous amino acid change and it is not expected to impact splicing.

Ambry Genetics
Classification: Likely benign for Hereditary cancer-predisposing syndrome. Last evaluated: 2019-10-24. Review status: criteria provided, single submitter. Criteria: Ambry Variant Classification Scheme 2023. Collection method: clinical testing. Allele origin: germline.

Color Diagnostics, LLC DBA Color Health
Classification: Likely benign for Hereditary cancer-predisposing syndrome. Last evaluated: 2017-03-08. Review status: criteria provided, single submitter. Criteria: ACMG Guidelines, 2015. Collection method: clinical testing. Allele origin: germline.